The following is an entry in ClinVar:

ClinVar aggregate classification (germline): Likely benign (1 of 4 stars; one submission).

Allele frequency attached by ClinVar (database versions not stated): TOPMed 0.00186; ESP Exome Variant Server 0.00293; 1000 Genomes Project 30x 0.00468; gnomAD exomes 0.00537; 1000 Genomes Project 0.00539; ExAC 0.00732; gnomAD 0.00751.

Submission:

CeGaT Center for Human Genetics Tuebingen
Classification: Likely benign. Last evaluated: 2023-03-01. Review status: criteria provided, single submitter. Criteria: CeGaT Center For Human Genetics Tuebingen Variant Classification Criteria Version 2. Collection method: clinical testing. Allele origin: germline. Affected: yes. Observed: 1 variant allele.
Comment: CPTP: BP4, BS2

NM_001029885.2(CPTP):c.587G>A (p.Arg196His)

Gene: CPTP (ceramide-1-phosphate transfer protein; plus strand). Cytogenetic location: 1p36.33.
Variant type: single nucleotide variant.
Coding change: c.587G>A on transcript NM_001029885.2 (MANE Select); coding-DNA position 587, G replaced by A.
Protein change: p.Arg196His; replaces arginine 196 with histidine.
Molecular consequence: missense variant.
Genome position (GRCh38, 1-based): chr1:1,327,705, G>A. VCF-style: chr1-1327705-G-A. GRCh37 (hg19) VCF-style: chr1-1263085-G-A.
Other names: c.-486G>A (NM_030575.1); short protein forms R196H.
Identifiers: ClinVar variation 2638000 (VCV002638000.24), dbSNP rs150672559, ClinGen allele CA518532.
Genomic context (GRCh38, chr1:1,327,705, plus strand): 5'-ACGTGGGGCCCCCGGAGCAGGCCGTGCAGATGCTAGGCGAGGCCCTCCCCTTCATCCAGC[G>A]TGTCTACAACGTCTCCCAGAAGCTCTACGCCGAGCACTCCCTGCTGGACCTGCCCTAGGG-3'
Protein context (NP_001025056.1, residues 186-206): MLGEALPFIQ[Arg196His]VYNVSQKLYA